The following is an entry in ClinVar:

ClinVar aggregate classification (germline): Uncertain significance (1 of 4 stars; one submission).

Conditions:
Breast-ovarian cancer, familial, susceptibility to, 4. Identifiers: Orphanet 145, MedGen C3280345, MONDO:0013669, OMIM 614291.

Submission:

Labcorp Genetics (formerly Invitae), Labcorp
Classification: Uncertain significance for Breast-ovarian cancer, familial, susceptibility to, 4. Last evaluated: 2024-10-09. Review status: criteria provided, single submitter. Criteria: Invitae Variant Classification Sherloc (09022015). Collection method: clinical testing. Allele origin: germline.
Comment: This sequence change replaces leucine, which is neutral and non-polar, with proline, which is neutral and non-polar, at codon 237 of the RAD51D protein (p.Leu237Pro). The frequency data for this variant in the population databases is considered unreliable, as metrics indicate poor data quality at this position in the gnomAD database. This variant has not been reported in the literature in individuals affected with RAD51D-related conditions. Invitae Evidence Modeling of protein sequence and biophysical properties (such as structural, functional, and spatial information, amino acid conservation, physicochemical variation, residue mobility, and thermodynamic stability) has been performed for this missense variant. However, the output from this modeling did not meet the statistical confidence thresholds required to predict the impact of this variant on RAD51D protein function. In summary, the available evidence is currently insufficient to determine the role of this variant in disease. Therefore, it has been classified as a Variant of Uncertain Significance.

NM_002878.4(RAD51D):c.710T>C (p.Leu237Pro)

Genes: RAD51D (RAD51 paralog D; minus strand), RAD51L3-RFFL (RAD51L3-RFFL readthrough; minus strand). Cytogenetic location: 17q12.
Variant type: single nucleotide variant.
Coding change: c.710T>C on transcript NM_002878.4 (MANE Select); coding-DNA position 710, T replaced by C.
Protein change: p.Leu237Pro; replaces leucine 237 with proline.
Molecular consequence: missense variant. On other transcripts: non-coding transcript variant (3).
Genome position (GRCh38, 1-based): chr17:35,103,282, A>G on the plus strand (T>C on the coding strand, the complement: RAD51D is on the minus strand). VCF-style: chr17-35103282-A-G. GRCh37 (hg19) VCF-style: chr17-33430301-A-G.
Other names: c.770T>C, p.Leu257Pro (NM_001142571.2); c.374T>C, p.Leu125Pro (NM_133629.3); short protein forms L125P, L257P, L237P.
Identifiers: ClinVar variation 3664918 (VCV003664918.2).